The following is an entry in ClinVar:

NM_000535.7(PMS2):c.626G>C (p.Gly209Ala)

Gene: PMS2 (PMS1 homolog 2, mismatch repair system component; minus strand). Cytogenetic location: 7p22.1.
Variant type: single nucleotide variant.
Coding change: c.626G>C on transcript NM_000535.7 (MANE Select); coding-DNA position 626, G replaced by C.
Protein change: p.Gly209Ala; replaces glycine 209 with alanine.
Molecular consequence: missense variant. On other transcripts: 5 prime UTR variant (2), non-coding transcript variant (1), intron variant (9).
Genome position (GRCh38, 1-based): chr7:5,999,187, C>G on the plus strand (G>C on the coding strand, the complement: PMS2 is on the minus strand). VCF-style: chr7-5999187-C-G. GRCh37 (hg19) VCF-style: chr7-6038818-C-G.
Other names: c.-308G>C (NM_001322012.2, NM_001322011.2); c.626G>C, p.Gly209Ala (NM_001322014.2, NM_001406870.1, NM_001406871.1 and 4 more transcripts); c.317G>C, p.Gly106Ala (NM_001322015.2, NM_001406875.1, NM_001406877.1 and 6 more transcripts); c.812G>C, p.Gly271Ala (NM_001406866.1); c.650G>C, p.Gly217Ala (NM_001406868.1); c.308G>C, p.Gly103Ala (NM_001406876.1, NM_001406883.1, NM_001406901.1 and 4 more transcripts); c.290G>C, p.Gly97Ala (NM_001406885.1); c.221G>C, p.Gly74Ala (NM_001406887.1, NM_001406888.1, NM_001406889.1 and 19 more transcripts); and 6 more; short protein forms G103A, G74A, G106A, G209A, G97A, G271A, G217A.
Identifiers: ClinVar variation 3308114 (VCV003308114.1).

ClinVar aggregate classification (germline): Uncertain significance (1 of 4 stars; one submission).

Conditions:
Hereditary cancer-predisposing syndrome. Also called: Tumor predisposition; Hereditary Cancer Syndrome; Hereditary neoplastic syndrome; Neoplastic Syndromes, Hereditary. Identifiers: Orphanet 140162, MedGen C0027672, MeSH D009386, MONDO:0015356.

gnomAD v4.1: 1 of 1,613,804 alleles (0.000062%); highest among the groups gnomAD compares: South Asian, 0.0011%; no homozygotes.

Submission:

Ambry Genetics
Classification: Uncertain significance for Hereditary cancer-predisposing syndrome. Last evaluated: 2024-05-23. Review status: criteria provided, single submitter. Criteria: Ambry Variant Classification Scheme 2023. Collection method: clinical testing. Allele origin: germline.
Comment: The p.G209A variant (also known as c.626G>C), located in coding exon 6 of the PMS2 gene, results from a G to C substitution at nucleotide position 626. The glycine at codon 209 is replaced by alanine, an amino acid with similar properties. This amino acid position is conserved. In addition, this alteration is predicted to be deleterious by in silico analysis. Based on the available evidence, the clinical significance of this variant remains unclear.